The following is an entry in ClinVar:

NM_000051.4(ATM):c.592T>A (p.Cys198Ser)

Gene: ATM (ATM serine/threonine kinase; plus strand). Cytogenetic location: 11q22.3.
Variant type: single nucleotide variant.
Coding change: c.592T>A on transcript NM_000051.4 (MANE Select); coding-DNA position 592, T replaced by A.
Protein change: p.Cys198Ser; replaces cysteine 198 with serine.
Molecular consequence: missense variant.
Genome position (GRCh38, 1-based): chr11:108,244,048, T>A. VCF-style: chr11-108244048-T-A. GRCh37 (hg19) VCF-style: chr11-108114775-T-A.
Other names: c.592T>A, p.Cys198Ser (NM_001351834.2); short protein forms C198S.
Identifiers: ClinVar variation 3720431 (VCV003720431.2).

ClinVar aggregate classification (germline): Uncertain significance (1 of 4 stars; one submission).

Conditions:
Ataxia-telangiectasia syndrome (AT). Also called: ATAXIA-TELANGIECTASIA, COMPLEMENTATION GROUP A; ATAXIA-TELANGIECTASIA, FRESNO VARIANT; Ataxia-telangiectasia; Ataxia-telangiectasia, complementation group E; Ataxia telangiectasia (A-T); LOUIS-BAR SYNDROME. Identifiers: Orphanet 100, MedGen C0004135, MONDO:0008840, OMIM 208900.

Submission:

Labcorp Genetics (formerly Invitae), Labcorp
Classification: Uncertain significance for Ataxia-telangiectasia syndrome. Last evaluated: 2024-12-12. Review status: criteria provided, single submitter. Criteria: Invitae Variant Classification Sherloc (09022015). Collection method: clinical testing. Allele origin: germline.
Comment: This sequence change replaces cysteine, which is neutral and slightly polar, with serine, which is neutral and polar, at codon 198 of the ATM protein (p.Cys198Ser). This variant is not present in population databases (gnomAD no frequency). This variant has not been reported in the literature in individuals affected with ATM-related conditions. Invitae Evidence Modeling of protein sequence and biophysical properties (such as structural, functional, and spatial information, amino acid conservation, physicochemical variation, residue mobility, and thermodynamic stability) indicates that this missense variant is not expected to disrupt ATM protein function with a negative predictive value of 95%. In summary, the available evidence is currently insufficient to determine the role of this variant in disease. Therefore, it has been classified as a Variant of Uncertain Significance.